The following is an entry in ClinVar:

NM_000626.4(CD79B):c.94G>C (p.Glu32Gln)

Genes: CD79B (CD79b molecule; minus strand), GH-LCR (growth hormone locus control region; plus strand). Cytogenetic location: 17q23.3.
Variant type: single nucleotide variant.
Coding change: c.94G>C on transcript NM_000626.4 (MANE Select); coding-DNA position 94, G replaced by C.
Protein change: p.Glu32Gln; replaces glutamic acid 32 with glutamine.
Molecular consequence: missense variant.
Genome position (GRCh38, 1-based): chr17:63,931,359, C>G on the plus strand (G>C on the coding strand, the complement: CD79B is on the minus strand). VCF-style: chr17-63931359-C-G. GRCh37 (hg19) VCF-style: chr17-62008719-C-G.
Other names: c.97G>C, p.Glu33Gln (NM_001039933.3, NM_001329050.2); c.94G>C, p.Glu32Gln (NM_021602.4); short protein forms E32Q, E33Q.
Identifiers: ClinVar variation 1950880 (VCV001950880.5), dbSNP rs772746914, ClinGen allele CA8708656.

ClinVar aggregate classification (germline): Uncertain significance (1 of 4 stars; one submission).

Conditions:
Agammaglobulinemia 6, autosomal recessive (AGM6). Also called: AGAMMAGLOBULINEMIA 6; AGAMMAGLOBULINEMIA, AUTOSOMAL RECESSIVE, DUE TO CD79B DEFECT. Identifiers: MedGen C3150207, MONDO:0012987, OMIM 612692.

Allele frequency attached by ClinVar (database versions not stated): ExAC 0.00001; gnomAD exomes 0.00001.
gnomAD v4.1: 3 of 1,614,100 alleles (0.00019%); highest among the groups gnomAD compares: East Asian, 0.0067%; no homozygotes.

Submission:

Labcorp Genetics (formerly Invitae), Labcorp
Classification: Uncertain significance for Agammaglobulinemia 6, autosomal recessive. Last evaluated: 2022-07-12. Review status: criteria provided, single submitter. Criteria: Invitae Variant Classification Sherloc (09022015). Collection method: clinical testing. Allele origin: germline.
Comment: This variant is present in population databases (rs772746914, gnomAD 0.006%). In summary, the available evidence is currently insufficient to determine the role of this variant in disease. Therefore, it has been classified as a Variant of Uncertain Significance. Algorithms developed to predict the effect of missense changes on protein structure and function are either unavailable or do not agree on the potential impact of this missense change (SIFT: "Not Available"; PolyPhen-2: "Benign"; Align-GVGD: "Not Available"). This variant has not been reported in the literature in individuals affected with CD79B-related conditions. This sequence change replaces glutamic acid, which is acidic and polar, with glutamine, which is neutral and polar, at codon 32 of the CD79B protein (p.Glu32Gln).